The following is an entry in ClinVar:

NM_000219.6(KCNE1):c.41C>T (p.Thr14Ile)

Gene: KCNE1 (potassium voltage-gated channel subfamily E regulatory subunit 1; minus strand). Cytogenetic location: 21q22.12.
Variant type: single nucleotide variant.
Coding change: c.41C>T on transcript NM_000219.6 (MANE Select); coding-DNA position 41, C replaced by T.
Protein change: p.Thr14Ile; replaces threonine 14 with isoleucine.
Molecular consequence: missense variant.
Genome position (GRCh38, 1-based): chr21:34,449,594, G>A on the plus strand (C>T on the coding strand, the complement: KCNE1 is on the minus strand). VCF-style: chr21-34449594-G-A. GRCh37 (hg19) VCF-style: chr21-35821892-G-A.
Other names: c.41C>T, p.Thr14Ile (NM_001127668.4, NM_001127669.4, NM_001127670.4 and 4 more transcripts); short protein forms T14I.
Identifiers: ClinVar variation 3373888 (VCV003373888.2).

Conditions:
Long QT syndrome 5 (LQT5). Identifiers: Orphanet 101016, Orphanet 768, MedGen C1867904, MONDO:0013372, OMIM 613695.

Submission:

Roden Lab, Vanderbilt University Medical Center
No classification provided (evidence only). Condition: Long QT syndrome 5. Review status: no classification provided. Collection method: in vitro. Allele origin: not applicable. Functional consequence: Effect on ion channel function.
ClinVar note: "not provided" was previously submitted as the classification for the variant. However, the classification appeared to be based only on an observation of functional data so it was converted to no classification on 2025-07-30.